The following is an entry in ClinVar:

ClinVar aggregate classification (germline): Benign. Review status: criteria provided, multiple submitters, no conflicts (2 of 4 stars). 3 submissions from 3 submitters: Benign (3). Last evaluated 2026-02-04.

Conditions:
Congenital ichthyosis of skin. Identifiers: MedGen C0020758.

Allele frequency attached by ClinVar (database versions not stated): 1000 Genomes Project 30x 0.00547; 1000 Genomes Project 0.00559; ExAC 0.01261; gnomAD exomes 0.01270 and 0.01924; gnomAD 0.01390 and 0.01442; TOPMed 0.01418; ESP Exome Variant Server 0.01615.
gnomAD v4.1: 30,147 of 1,612,600 alleles (1.9%); highest among the groups gnomAD compares: Non-Finnish European, 2.3%; 356 homozygotes.

Submissions (3):

Labcorp Genetics (formerly Invitae), Labcorp
Classification: Benign. Last evaluated: 2026-02-04. Review status: criteria provided, single submitter. Criteria: Invitae Variant Classification Sherloc (09022015). Collection method: clinical testing. Allele origin: germline.

Illumina Laboratory Services, Illumina
Classification: Benign for Congenital ichthyosis of skin. Last evaluated: 2018-01-13. Review status: criteria provided, single submitter. Criteria: ICSL Variant Classification Criteria 13 December 2019. Collection method: clinical testing. Allele origin: germline.
Comment: This variant was observed in the ICSL laboratory as part of a predisposition screen in an ostensibly healthy population. It had not been previously curated by ICSL or reported in the Human Gene Mutation Database (HGMD: prior to June 1st, 2018), and was therefore a candidate for classification through an automated scoring system. Utilizing variant allele frequency, disease prevalence and penetrance estimates, and inheritance mode, an automated score was calculated to assess if this variant is too frequent to cause the disease. Based on the score and internal cut-off values, a variant classified as benign is not then subjected to further curation. The score for this variant resulted in a classification of benign for this disease.

Breakthrough Genomics
Classification: Benign. Review status: criteria provided, single submitter. Criteria: ACMG Guidelines, 2015. Collection method: not provided. Allele origin: germline. Inheritance: Autosomal recessive inheritance. Affected: yes.

NM_173076.3(ABCA12):c.1625T>C (p.Val542Ala)

Gene: ABCA12 (ATP binding cassette subfamily A member 12; minus strand). Cytogenetic location: 2q35.
Variant type: single nucleotide variant.
Coding change: c.1625T>C on transcript NM_173076.3 (MANE Select); coding-DNA position 1625, T replaced by C.
Protein change: p.Val542Ala; replaces valine 542 with alanine.
Molecular consequence: missense variant. On other transcripts: non-coding transcript variant (1).
Genome position (GRCh38, 1-based): chr2:215,019,368, A>G on the plus strand (T>C on the coding strand, the complement: ABCA12 is on the minus strand). VCF-style: chr2-215019368-A-G. GRCh37 (hg19) VCF-style: chr2-215884092-A-G.
Other names: c.671T>C, p.Val224Ala (NM_015657.4); short protein forms V542A, V224A.
Identifiers: ClinVar variation 334262 (VCV000334262.13), dbSNP rs114651183, ClinGen allele CA2092187.